The following is an entry in ClinVar:

ClinVar aggregate classification (germline): Benign/Likely benign. Review status: criteria provided, multiple submitters, no conflicts (2 of 4 stars). 3 submissions from 3 submitters: Benign (1); Likely benign (2). Last evaluated 2026-08-18.

Conditions:
DICER1-related tumor predisposition. Also called: DICER1 syndrome; DICER1-related pleuropulmonary blastoma cancer predisposition syndrome. Identifiers: Orphanet 284343, MedGen C3839822, MONDO:0100216.
Hereditary cancer-predisposing syndrome. Also called: Tumor predisposition; Neoplastic Syndromes, Hereditary; Hereditary Cancer Syndrome; Hereditary neoplastic syndrome. Identifiers: Orphanet 140162, MedGen C0027672, MeSH D009386, MONDO:0015356.

Allele frequency attached by ClinVar (database versions not stated): gnomAD exomes 0.00001 and 0.00002; ExAC 0.00002; gnomAD 0.00001 and below 0.00001.
gnomAD v4.1: 22 of 1,614,120 alleles (0.0014%); highest among the groups gnomAD compares: South Asian, 0.023%; no homozygotes.

Submissions (3):

Myriad Genetics, Inc.
Classification: Benign for DICER1-related tumor predisposition. Last evaluated: 2026-08-18. Review status: criteria provided, single submitter. Criteria: Myriad Autosomal Dominant, Autosomal Recessive and X-Linked Classification Criteria (2023). Collection method: clinical testing. Allele origin: unknown.
Comment: This variant is considered benign. This variant is a silent/synonymous amino acid change and it is not expected to impact splicing.

Labcorp Genetics (formerly Invitae), Labcorp
Classification: Likely benign for DICER1-related tumor predisposition. Last evaluated: 2026-01-10. Review status: criteria provided, single submitter. Criteria: Invitae Variant Classification Sherloc (09022015). Collection method: clinical testing. Allele origin: germline.

Ambry Genetics
Classification: Likely benign for Hereditary cancer-predisposing syndrome. Last evaluated: 2017-05-15. Review status: criteria provided, single submitter. Criteria: Ambry Variant Classification Scheme 2023. Collection method: clinical testing. Allele origin: germline.

NM_177438.3(DICER1):c.4593A>C (p.Ser1531=)

Gene: DICER1 (dicer 1, ribonuclease III; minus strand). Cytogenetic location: 14q32.13.
Variant type: single nucleotide variant.
Coding change: c.4593A>C on transcript NM_177438.3 (MANE Select); coding-DNA position 4593, A replaced by C.
Protein change: p.Ser1531=; no amino-acid change (serine 1531 retained).
Molecular consequence: synonymous variant.
Genome position (GRCh38, 1-based): chr14:95,096,327, T>G on the plus strand (A>C on the coding strand, the complement: DICER1 is on the minus strand). VCF-style: chr14-95096327-T-G. GRCh37 (hg19) VCF-style: chr14-95562664-T-G.
Other names: c.4593A>C, p.Ser1531= (NM_001195573.1, NM_001271282.3, NM_001291628.2 and 1 more transcripts).
Identifiers: ClinVar variation 483438 (VCV000483438.15), dbSNP rs759813027, ClinGen allele CA7330830.